The following is an entry in ClinVar:

ClinVar aggregate classification (germline): Uncertain significance (1 of 4 stars; one submission).

gnomAD v4.1: 2 of 1,613,918 alleles (0.00012%); highest among the groups gnomAD compares: Non-Finnish European, 0.00017%; no homozygotes.

Submission:

Ambry Genetics
Classification: Uncertain significance. Last evaluated: 2024-06-18. Review status: criteria provided, single submitter. Criteria: Ambry Variant Classification Scheme 2023. Collection method: clinical testing. Allele origin: germline.
Comment: The p.M628T variant (also known as c.1883T>C), located in coding exon 18 of the KIF1B gene, results from a T to C substitution at nucleotide position 1883. The methionine at codon 628 is replaced by threonine, an amino acid with similar properties. This amino acid position is conserved. In addition, this alteration is predicted to be deleterious by in silico analysis. Since supporting evidence is limited at this time, the clinical significance of this alteration remains unclear.

NM_001365951.3(KIF1B):c.2021T>C (p.Met674Thr)

Gene: KIF1B (kinesin family member 1B; plus strand). Cytogenetic location: 1p36.22.
Variant type: single nucleotide variant.
Coding change: c.2021T>C on transcript NM_001365951.3 (MANE Select); coding-DNA position 2021, T replaced by C.
Protein change: p.Met674Thr; replaces methionine 674 with threonine.
Molecular consequence: missense variant.
Genome position (GRCh38, 1-based): chr1:10,297,056, T>C. VCF-style: chr1-10297056-T-C. GRCh37 (hg19) VCF-style: chr1-10357114-T-C.
Other names: c.2021T>C, p.Met674Thr (NM_001365952.1); c.1883T>C, p.Met628Thr (NM_001365953.1, NM_015074.3, NM_183416.4); short protein forms M674T, M628T.
Identifiers: ClinVar variation 1781937 (VCV001781937.3), dbSNP rs2102259239, ClinGen allele CA338317460.
Genomic context (GRCh38, chr1:10,297,056, plus strand): 5'-CTGAGCCTGTGGACTGGACATTTGCCCAGAGGGAGCTTCTGGAAAAACAAGGAATTGATA[T>C]GAAACAAGAGATGGAGAAAAGGTAATGCACAGTTACGCAGCCCATATGACTGTTTCTTCT-3'
Protein context (NP_001352880.1, residues 664-684): RELLEKQGID[Met674Thr]KQEMEKRLQE